The following is an entry in ClinVar:

NM_014317.5(PDSS1):c.47C>T (p.Pro16Leu)

Gene: PDSS1 (decaprenyl diphosphate synthase subunit 1; plus strand). Cytogenetic location: 10p12.1.
Variant type: single nucleotide variant.
Coding change: c.47C>T on transcript NM_014317.5 (MANE Select); coding-DNA position 47, C replaced by T.
Protein change: p.Pro16Leu; replaces proline 16 with leucine.
Molecular consequence: missense variant. On other transcripts: 5 prime UTR variant (1).
Genome position (GRCh38, 1-based): chr10:26,697,758, C>T. VCF-style: chr10-26697758-C-T. GRCh37 (hg19) VCF-style: chr10-26986687-C-T.
Other names: c.47C>T, p.Pro16Leu (NM_001321978.2); c.-547C>T (NM_001321979.2); short protein forms P16L.
Identifiers: ClinVar variation 1706980 (VCV001706980.2), dbSNP rs2491495211, ClinGen allele CA376488870.
Genomic context (GRCh38, chr10:26,697,758, plus strand): 5'-TTCAGACTCCGACCATGGCCTCGCGCTGGTGGCGGTGGCGGCGCGGCTGCTCCTGGAAGC[C>T]GGCGGCGCGGAGCCCCGGGCCCGGCTCCCCCGGCCGTGCGGGACCGTTGGGGCCGAGCGC-3'
Protein context (NP_055132.2, residues 6-26): WRWRRGCSWK[Pro16Leu]AARSPGPGSP

ClinVar aggregate classification (germline): Uncertain significance (1 of 4 stars; one submission).

Submission:

GeneDx
Classification: Uncertain significance. Last evaluated: 2022-03-24. Review status: criteria provided, single submitter. Criteria: GeneDx Variant Classification Process June 2021. Collection method: clinical testing. Allele origin: germline. Affected: yes.
Comment: Not observed at significant frequency in large population cohorts (gnomAD); In silico analysis supports that this missense variant does not alter protein structure/function; Has not been previously published as pathogenic or benign to our knowledge